The following is an entry in ClinVar:

ClinVar aggregate classification (germline): Uncertain significance (1 of 4 stars; one submission).

gnomAD v4.1: 23 of 1,614,022 alleles (0.0014%); highest among the groups gnomAD compares: Non-Finnish European, 0.0019%; no homozygotes.

Submission:

Labcorp Genetics (formerly Invitae), Labcorp
Classification: Uncertain significance. Last evaluated: 2024-02-19. Review status: criteria provided, single submitter. Criteria: Invitae Variant Classification Sherloc (09022015). Collection method: clinical testing. Allele origin: germline.
Comment: This sequence change replaces alanine, which is neutral and non-polar, with valine, which is neutral and non-polar, at codon 62 of the AK7 protein (p.Ala62Val). This variant is present in population databases (no rsID available, gnomAD 0.0009%). This variant has not been reported in the literature in individuals affected with AK7-related conditions. Algorithms developed to predict the effect of missense changes on protein structure and function output the following: SIFT: "Not Available"; PolyPhen-2: "Benign"; Align-GVGD: "Not Available". The valine amino acid residue is found in multiple mammalian species, which suggests that this missense change does not adversely affect protein function. In summary, the available evidence is currently insufficient to determine the role of this variant in disease. Therefore, it has been classified as a Variant of Uncertain Significance.

NM_152327.5(AK7):c.185C>T (p.Ala62Val)

Gene: AK7 (adenylate kinase 7; plus strand). Cytogenetic location: 14q32.2.
Variant type: single nucleotide variant.
Coding change: c.185C>T on transcript NM_152327.5 (MANE Select); coding-DNA position 185, C replaced by T.
Protein change: p.Ala62Val; replaces alanine 62 with valine.
Molecular consequence: missense variant.
Genome position (GRCh38, 1-based): chr14:96,398,154, C>T. VCF-style: chr14-96398154-C-T. GRCh37 (hg19) VCF-style: chr14-96864491-C-T.
Other names: c.185C>T, p.Ala62Val (NM_001350888.2, NM_001350890.2, NM_001350891.2 and 1 more transcripts); short protein forms A62V.
Identifiers: ClinVar variation 3703194 (VCV003703194.1).